The following is an entry in ClinVar:

NM_007078.3(LDB3):c.1745C>G (p.Thr582Ser)

Gene: LDB3 (LIM domain binding 3; plus strand). Cytogenetic location: 10q23.2.
Variant type: single nucleotide variant.
Coding change: c.1745C>G on transcript NM_007078.3 (MANE Select); coding-DNA position 1745, C replaced by G.
Protein change: p.Thr582Ser; replaces threonine 582 with serine.
Molecular consequence: missense variant.
Genome position (GRCh38, 1-based): chr10:86,718,032, C>G. VCF-style: chr10-86718032-C-G. GRCh37 (hg19) VCF-style: chr10-88477789-C-G.
Other names: c.1415C>G, p.Thr472Ser (NM_001080114.2); c.1760C>G, p.Thr587Ser (NM_001171610.2); c.1556C>G, p.Thr519Ser (NM_001368064.1, NM_001368065.1); c.1604C>G, p.Thr535Ser (NM_001368066.1); short protein forms T519S, T535S, T472S, T587S, T582S.
Identifiers: ClinVar variation 972276 (VCV000972276.8), dbSNP rs754840310, ClinGen allele CA5585226.

ClinVar aggregate classification (germline): Uncertain significance (1 of 4 stars; one submission).

Conditions:
Myofibrillar myopathy 4. Also called: Zaspopathy (type). Identifiers: Orphanet 98912, MedGen C4721886, MONDO:0012277, OMIM 609452.

Allele frequency attached by ClinVar (database versions not stated): ExAC 0.00001; gnomAD exomes 0.00002.
gnomAD v4.1: 5 of 1,614,222 alleles (0.00031%); highest among the groups gnomAD compares: Admixed American, 0.005%; 1 homozygote.

Submission:

Labcorp Genetics (formerly Invitae), Labcorp
Classification: Uncertain significance for Myofibrillar myopathy 4. Last evaluated: 2019-01-26. Review status: criteria provided, single submitter. Criteria: Invitae Variant Classification Sherloc (09022015). Collection method: clinical testing. Allele origin: germline.
Comment: This sequence change replaces threonine with serine at codon 582 of the LDB3 protein (p.Thr582Ser). The threonine residue is highly conserved and there is a small physicochemical difference between threonine and serine. The LDB3 gene has multiple clinically relevant transcripts. The p.Thr582Ser variant occurs in alternate transcript NM_007078.2, which corresponds to c.*18658C>G in NM_001080116.1, the primary transcript listed in the Methods. In summary, the available evidence is currently insufficient to determine the role of this variant in disease. Therefore, it has been classified as a Variant of Uncertain Significance. Algorithms developed to predict the effect of missense changes on protein structure and function output the following: SIFT: Tolerated"; PolyPhen-2: "Benign"; Align-GVGD: "Class C0". The serine amino acid residue is found in multiple mammalian species, suggesting that this missense change does not adversely affect protein function. These predictions have not been confirmed by published functional studies and their clinical significance is uncertain. This variant has not been reported in the literature in individuals with LDB3-related conditions. This variant is present in population databases (rs754840310, ExAC 0.001%).